The following is an entry in ClinVar:

ClinVar aggregate classification (germline): Uncertain significance (1 of 4 stars; one submission).

Conditions:
Adams-Oliver syndrome 5 (AOS5). Identifiers: Orphanet 974, MedGen C4014970, MONDO:0014459, OMIM 616028.

Allele frequency attached by ClinVar (database versions not stated): gnomAD exomes below 0.00001; gnomAD 0.00001.

Submission:

Labcorp Genetics (formerly Invitae), Labcorp
Classification: Uncertain significance for Adams-Oliver syndrome 5. Last evaluated: 2023-09-01. Review status: criteria provided, single submitter. Criteria: Invitae Variant Classification Sherloc (09022015). Collection method: clinical testing. Allele origin: germline.
Comment: In summary, the available evidence is currently insufficient to determine the role of this variant in disease. Therefore, it has been classified as a Variant of Uncertain Significance. Advanced modeling of protein sequence and biophysical properties (such as structural, functional, and spatial information, amino acid conservation, physicochemical variation, residue mobility, and thermodynamic stability) performed at Invitae indicates that this missense variant is not expected to disrupt NOTCH1 protein function. This variant has not been reported in the literature in individuals affected with NOTCH1-related conditions. This variant is not present in population databases (gnomAD no frequency). This sequence change replaces serine, which is neutral and polar, with glycine, which is neutral and non-polar, at codon 88 of the NOTCH1 protein (p.Ser88Gly).

NM_017617.5(NOTCH1):c.262A>G (p.Ser88Gly)

Gene: NOTCH1 (notch receptor 1; minus strand). Cytogenetic location: 9q34.3.
Variant type: single nucleotide variant.
Coding change: c.262A>G on transcript NM_017617.5 (MANE Select); coding-DNA position 262, A replaced by G.
Protein change: p.Ser88Gly; replaces serine 88 with glycine.
Molecular consequence: missense variant.
Genome position (GRCh38, 1-based): chr9:136,523,858, T>C on the plus strand (A>G on the coding strand, the complement: NOTCH1 is on the minus strand). VCF-style: chr9-136523858-T-C. GRCh37 (hg19) VCF-style: chr9-139418310-T-C.
Other names: short protein forms S88G.
Identifiers: ClinVar variation 2911896 (VCV002911896.3), dbSNP rs1843416741, ClinGen allele CA375572882.